The following is an entry in ClinVar:

NM_001372.4(DNAH9):c.7589G>A (p.Arg2530Lys)

Gene: DNAH9 (dynein axonemal heavy chain 9; plus strand). Cytogenetic location: 17p12.
Variant type: single nucleotide variant.
Coding change: c.7589G>A on transcript NM_001372.4 (MANE Select); coding-DNA position 7589, G replaced by A.
Protein change: p.Arg2530Lys; replaces arginine 2530 with lysine.
Molecular consequence: missense variant.
Genome position (GRCh38, 1-based): chr17:11,781,045, G>A. VCF-style: chr17-11781045-G-A. GRCh37 (hg19) VCF-style: chr17-11684362-G-A.
Other names: short protein forms R2530K.
Identifiers: ClinVar variation 1937784 (VCV001937784.7), dbSNP rs374227428, ClinGen allele CA8396664.
Genomic context (GRCh38, chr17:11,781,045, plus strand): 5'-CTCACCGACTGGCTCTCTCCCCAGCTGTCCTGGAGAAGCCTCTGGAAAAGAAGGCTGGCA[G>A]AAACTATGGCCCTCCAGGGAACAAGAAACTCATCTATTTCATTGATGACATGAACATGCC-3'
Protein context (NP_001363.2, residues 2520-2540): LEKPLEKKAG[Arg2530Lys]NYGPPGNKKL

ClinVar aggregate classification (germline): Uncertain significance. Review status: criteria provided, multiple submitters, no conflicts (2 of 4 stars). 4 submissions from 4 submitters: Uncertain significance (4). Last evaluated 2025-02-03.

Conditions:
Inborn genetic diseases. Identifiers: MedGen C0950123, MeSH D030342.
Ciliary dyskinesia, primary, 40. Also called: CILIARY DYSKINESIA, PRIMARY, 40, WITH OR WITHOUT SITUS INVERSUS. Identifiers: MedGen C4749028, MONDO:0032664, OMIM 618300.

Allele frequency attached by ClinVar (database versions not stated): ESP Exome Variant Server 0.00008; TOPMed 0.00004; gnomAD 0.00005; gnomAD exomes below 0.00001; ExAC 0.00001.
gnomAD v4.1: 12 of 1,614,034 alleles (0.00074%); highest among the groups gnomAD compares: African/African-American, 0.013%; no homozygotes.

Submissions (4):

Johns Hopkins Genomics, Johns Hopkins University
Classification: Uncertain significance for Ciliary dyskinesia, primary, 40. Last evaluated: 2025-02-03. Review status: criteria provided, single submitter. Criteria: ACMG Guidelines, 2015. Collection method: clinical testing. Allele origin: germline.
Comment: This DNAH9 missense variant (rs374227428) is rare (<0.1%) in a large population dataset (gnomADv4.1.0: 12/1614034 total alleles; 0.0007%; no homozygotes) and has been reported in ClinVar (Variation ID: 1937784). It has not been reported in the literature in individuals with primary ciliary dyskinesia 40, to our knowledge. Of three bioinformatics tools queried, two predict that the substitution would be tolerated, while one predicts that it would be possibly damaging. The arginine residue at this position is evolutionarily conserved across all species assessed, except two which have lysine at this position. We consider the clinical significance of DNAH9 c.7589G>A to be uncertain at this time.

GeneDx
Classification: Uncertain significance. Last evaluated: 2024-03-29. Review status: criteria provided, single submitter. Criteria: GeneDx Variant Classification Process June 2021. Collection method: clinical testing. Allele origin: germline. Affected: yes.
Comment: In silico analysis supports that this missense variant has a deleterious effect on protein structure/function; Has not been previously published as pathogenic or benign to our knowledge

Labcorp Genetics (formerly Invitae), Labcorp
Classification: Uncertain significance. Last evaluated: 2023-04-25. Review status: criteria provided, single submitter. Criteria: Invitae Variant Classification Sherloc (09022015). Collection method: clinical testing. Allele origin: germline.
Comment: This variant is present in population databases (rs374227428, gnomAD 0.02%). In summary, the available evidence is currently insufficient to determine the role of this variant in disease. Therefore, it has been classified as a Variant of Uncertain Significance. Advanced modeling of protein sequence and biophysical properties (such as structural, functional, and spatial information, amino acid conservation, physicochemical variation, residue mobility, and thermodynamic stability) has been performed at Invitae for this missense variant, however the output from this modeling did not meet the statistical confidence thresholds required to predict the impact of this variant on DNAH9 protein function. ClinVar contains an entry for this variant (Variation ID: 1937784). This variant has not been reported in the literature in individuals affected with DNAH9-related conditions. This sequence change replaces arginine, which is basic and polar, with lysine, which is basic and polar, at codon 2530 of the DNAH9 protein (p.Arg2530Lys).

Ambry Genetics
Classification: Uncertain significance for Inborn genetic diseases. Last evaluated: 2022-08-16. Review status: criteria provided, single submitter. Criteria: Ambry Variant Classification Scheme 2023. Collection method: clinical testing. Allele origin: germline.

Literature cited by the submitters: PubMed 35050399 (cited by Johns Hopkins Genomics, Johns Hopkins University).